The following is an entry in ClinVar:

ClinVar aggregate classification (germline): Uncertain significance. Review status: criteria provided, multiple submitters, no conflicts (2 of 4 stars). 2 submissions from 2 submitters: Uncertain significance (2). Last evaluated 2025-08-25.

Allele frequency attached by ClinVar (database versions not stated): TOPMed below 0.00001; gnomAD 0.00001; gnomAD exomes 0.00001 and 0.00002; ExAC 0.00003.
gnomAD v4.1: 13 of 1,613,634 alleles (0.00081%); highest among the groups gnomAD compares: East Asian, 0.0045%; no homozygotes.

Submissions (2):

Labcorp Genetics (formerly Invitae), Labcorp
Classification: Uncertain significance. Last evaluated: 2025-08-25. Review status: criteria provided, single submitter. Criteria: Invitae Variant Classification Sherloc (09022015). Collection method: clinical testing. Allele origin: germline.
Comment: This sequence change replaces arginine, which is basic and polar, with glutamine, which is neutral and polar, at codon 97 of the ROM1 protein (p.Arg97Gln). This variant is present in population databases (rs112384116, gnomAD 0.01%). This variant has not been reported in the literature in individuals affected with ROM1-related conditions. ClinVar contains an entry for this variant (Variation ID: 1003813). Invitae Evidence Modeling of protein sequence and biophysical properties (such as structural, functional, and spatial information, amino acid conservation, physicochemical variation, residue mobility, and thermodynamic stability) indicates that this missense variant is not expected to disrupt ROM1 protein function with a negative predictive value of 80%. In summary, the available evidence is currently insufficient to determine the role of this variant in disease. Therefore, it has been classified as a Variant of Uncertain Significance.

Ambry Genetics
Classification: Uncertain significance. Last evaluated: 2022-04-12. Review status: criteria provided, single submitter. Criteria: Ambry Variant Classification Scheme 2023. Collection method: clinical testing. Allele origin: germline.

NM_000327.4(ROM1):c.290G>A (p.Arg97Gln)

Gene: ROM1 (retinal outer segment membrane protein 1; plus strand). Cytogenetic location: 11q12.3.
Variant type: single nucleotide variant.
Coding change: c.290G>A on transcript NM_000327.4 (MANE Select); coding-DNA position 290, G replaced by A.
Protein change: p.Arg97Gln; replaces arginine 97 with glutamine.
Molecular consequence: missense variant.
Genome position (GRCh38, 1-based): chr11:62,613,571, G>A. VCF-style: chr11-62613571-G-A. GRCh37 (hg19) VCF-style: chr11-62381043-G-A.
Other names: c.290G>A (NM_000327.3); short protein forms R97Q.
Identifiers: ClinVar variation 1003813 (VCV001003813.9), dbSNP rs112384116, ClinGen allele CA6049691.
Genomic context (GRCh38, chr11:62,613,571, plus strand): 5'-GACTAGTGGGTGTAGGAGCCAGCCGGGCAAGTCTGAATGCAGCTCTATACCCTCCCTGGC[G>A]AGGGGTCCTGGGCCCGCTGCTGGTGGCTGGCACGGCTGGTGGGGGGGGGCTCCTGGTCGT-3'
Protein context (NP_000318.2, residues 87-107): SLNAALYPPW[Arg97Gln]GVLGPLLVAG